The following is an entry in ClinVar:

ClinVar aggregate classification (germline): Uncertain significance (1 of 4 stars; one submission).

Conditions:
Spermatogenic Failure. Identifiers: MedGen C3553794, MONDO:0004983.

Submission:

Conrad Lab, Oregon Health and Science University
Classification: Uncertain significance for Spermatogenic Failure. Last evaluated: 2026-09-29. Review status: criteria provided, single submitter. Criteria: ACMG Guidelines, 2015. Collection method: research. Allele origin: germline. Affected: yes. Observed: 2 variant alleles. Study: GEMINI.
Comment: The same exome-derived minimum duplication interval was reported in two azoospermic men and is represented here by one variant record with two case observations. Technical support remains unresolved: the supplied Oxford Nanopore analysis did not support the duplication in one case, and no matching validation record was provided for the other. Identical minimum intervals do not establish identical molecular breakpoints. The manuscript found no locus-level enrichment of Xp22.31 duplications in cases relative to gnomAD. The submitted classification is Uncertain significance; the detection uncertainty is separate from uncertainty about clinical effect.

Single allele

Genes: MIR4767 (microRNA 4767; plus strand), PUDP (pseudouridine 5'-phosphatase; minus strand), STS (steroid sulfatase; plus strand), LOC130067911 (ATAC-STARR-seq lymphoblastoid active region 29384; plus strand), LOC130067912 (ATAC-STARR-seq lymphoblastoid active region 29385; plus strand) and 9 more. Cytogenetic location: Xp22.31.
Variant type: Duplication.
Identifiers: ClinVar variation 5021143 (VCV005021143.1).